The following is an entry in ClinVar:

ClinVar aggregate classification (germline): Uncertain significance (1 of 4 stars; one submission).

Submission:

GeneDx
Classification: Uncertain significance. Last evaluated: 2022-09-27. Review status: criteria provided, single submitter. Criteria: GeneDx Variant Classification Process June 2021. Collection method: clinical testing. Allele origin: germline. Affected: yes.
Comment: Not observed at significant frequency in large population cohorts (gnomAD); In silico analysis supports that this missense variant does not alter protein structure/function; Has not been previously published as pathogenic or benign to our knowledge; This variant is associated with the following publications: (PMID: 19781682)

NM_000051.4(ATM):c.3107T>C (p.Phe1036Ser)

Gene: ATM (ATM serine/threonine kinase; plus strand). Cytogenetic location: 11q22.3.
Variant type: single nucleotide variant.
Coding change: c.3107T>C on transcript NM_000051.4 (MANE Select); coding-DNA position 3107, T replaced by C.
Protein change: p.Phe1036Ser; replaces phenylalanine 1036 with serine.
Molecular consequence: missense variant.
Genome position (GRCh38, 1-based): chr11:108,272,561, T>C. VCF-style: chr11-108272561-T-C. GRCh37 (hg19) VCF-style: chr11-108143288-T-C.
Other names: c.3107T>C, p.Phe1036Ser (NM_001351834.2); short protein forms F1036S.
Identifiers: ClinVar variation 2446356 (VCV002446356.1), dbSNP rs2135565722, ClinGen allele CA382515144.